The following is an entry in ClinVar:

ClinVar aggregate classification (germline): Uncertain significance (1 of 4 stars; one submission).

Conditions:
Inborn genetic diseases. Identifiers: MedGen C0950123, MeSH D030342.

Submission:

Ambry Genetics
Classification: Uncertain significance for Inborn genetic diseases. Last evaluated: 2025-02-08. Review status: criteria provided, single submitter. Criteria: Ambry Variant Classification Scheme 2023. Collection method: clinical testing. Allele origin: germline.
Comment: The p.E219K variant (also known as c.655G>A), located in coding exon 5 of the MECOM gene, results from a G to A substitution at nucleotide position 655. The glutamic acid at codon 219 is replaced by lysine, an amino acid with similar properties. This amino acid position is conserved. In addition, the in silico prediction for this alteration is inconclusive. Based on the available evidence, the clinical significance of this variant remains unclear.

NM_004991.4(MECOM):c.655G>A (p.Glu219Lys)

Gene: MECOM (MDS1 and EVI1 complex locus; minus strand). Cytogenetic location: 3q26.2.
Variant type: single nucleotide variant.
Coding change: c.655G>A on transcript NM_004991.4 (MANE Select); coding-DNA position 655, G replaced by A.
Protein change: p.Glu219Lys; replaces glutamic acid 219 with lysine.
Molecular consequence: missense variant.
Genome position (GRCh38, 1-based): chr3:169,128,019, C>T on the plus strand (G>A on the coding strand, the complement: MECOM is on the minus strand). VCF-style: chr3-169128019-C-T. GRCh37 (hg19) VCF-style: chr3-168845807-C-T.
Other names: c.283G>A, p.Glu95Lys (NM_001105077.4); c.91G>A, p.Glu31Lys (NM_001105078.4, NM_001163999.2, NM_001164000.2 and 9 more transcripts); c.655G>A, p.Glu219Lys (NM_001366466.2, NM_001366473.2); short protein forms E219K, E31K, E95K.
Identifiers: ClinVar variation 3871815 (VCV003871815.1).